The following is an entry in ClinVar:

NM_000126.4(ETFA):c.557A>G (p.Glu186Gly)

Gene: ETFA (electron transfer flavoprotein subunit alpha; minus strand). Cytogenetic location: 15q24.2.
Variant type: single nucleotide variant.
Coding change: c.557A>G on transcript NM_000126.4 (MANE Select); coding-DNA position 557, A replaced by G.
Protein change: p.Glu186Gly; replaces glutamic acid 186 with glycine.
Molecular consequence: missense variant.
Genome position (GRCh38, 1-based): chr15:76,286,376, T>C on the plus strand (A>G on the coding strand, the complement: ETFA is on the minus strand). VCF-style: chr15-76286376-T-C. GRCh37 (hg19) VCF-style: chr15-76578717-T-C.
Other names: c.410A>G, p.Glu137Gly (NM_001127716.2); c.557A>G (NM_000126.3); short protein forms E186G, E137G.
Identifiers: ClinVar variation 1348505 (VCV001348505.8), dbSNP rs986861899, ClinGen allele CA273697646.

ClinVar aggregate classification (germline): Uncertain significance. Review status: criteria provided, multiple submitters, no conflicts (2 of 4 stars). 4 submissions from 4 submitters: Uncertain significance (4). Last evaluated 2023-02-06.

Conditions:
Inborn genetic diseases. Identifiers: MedGen C0950123, MeSH D030342.
Multiple acyl-CoA dehydrogenase deficiency (MADD). Also called: Glutaric aciduria, type 2; Glutaric Acidemia type 2; Glutaric acidemia type II; GA 2; ETHYLMALONIC-ADIPICACIDURIA; GA II. Identifiers: Orphanet 26791, MedGen C0268596, MONDO:0009282, OMIM 231680.

Allele frequency attached by ClinVar (database versions not stated): gnomAD exomes below 0.00001; gnomAD 0.00003 and 0.00004; TOPMed 0.00003.
gnomAD v4.1: 6 of 1,601,962 alleles (0.00037%); highest among the groups gnomAD compares: African/African-American, 0.008%; no homozygotes.

Submissions (4):

GeneDx
Classification: Uncertain significance. Last evaluated: 2023-02-06. Review status: criteria provided, single submitter. Criteria: GeneDx Variant Classification Process June 2021. Collection method: clinical testing. Allele origin: germline. Affected: yes.
Comment: Not observed at significant frequency in large population cohorts (gnomAD); In silico analysis supports that this missense variant has a deleterious effect on protein structure/function; Has not been previously published as pathogenic or benign to our knowledge

Labcorp Genetics (formerly Invitae), Labcorp
Classification: Uncertain significance for Multiple acyl-CoA dehydrogenase deficiency. Last evaluated: 2022-07-03. Review status: criteria provided, single submitter. Criteria: Invitae Variant Classification Sherloc (09022015). Collection method: clinical testing. Allele origin: germline.
Comment: This sequence change replaces glutamic acid, which is acidic and polar, with glycine, which is neutral and non-polar, at codon 186 of the ETFA protein (p.Glu186Gly). This variant is present in population databases (no rsID available, gnomAD 0.01%). This variant has not been reported in the literature in individuals affected with ETFA-related conditions. ClinVar contains an entry for this variant (Variation ID: 1348505). Algorithms developed to predict the effect of missense changes on protein structure and function are either unavailable or do not agree on the potential impact of this missense change (SIFT: "Deleterious"; PolyPhen-2: "Benign"; Align-GVGD: "Class C0"). In summary, the available evidence is currently insufficient to determine the role of this variant in disease. Therefore, it has been classified as a Variant of Uncertain Significance.

Ambry Genetics
Classification: Uncertain significance for Inborn genetic diseases. Last evaluated: 2021-09-01. Review status: criteria provided, single submitter. Criteria: Ambry Variant Classification Scheme 2023. Collection method: clinical testing. Allele origin: germline.

Breakthrough Genomics
Classification: Uncertain significance. Review status: criteria provided, single submitter. Criteria: ACMG Guidelines, 2015. Collection method: not provided. Allele origin: germline. Inheritance: Autosomal recessive inheritance. Affected: yes.